The following is an entry in ClinVar:

ClinVar aggregate classification (germline): Uncertain significance (1 of 4 stars; one submission).

Conditions:
Hypertrophic cardiomyopathy. Also called: HYPERTROPHIC MYOCARDIOPATHY. Identifiers: Orphanet 217569, MedGen C0007194, MeSH D002312, MONDO:0005045, HP:0001639.

Submission:

Labcorp Genetics (formerly Invitae), Labcorp
Classification: Uncertain significance for Hypertrophic cardiomyopathy. Last evaluated: 2025-07-06. Review status: criteria provided, single submitter. Criteria: Invitae Variant Classification Sherloc (09022015). Collection method: clinical testing. Allele origin: germline.
Comment: This sequence change replaces aspartic acid, which is acidic and polar, with valine, which is neutral and non-polar, at codon 516 of the MYH7 protein (p.Asp516Val). This variant is not present in population databases (gnomAD no frequency). This variant has not been reported in the literature in individuals affected with MYH7-related conditions. Invitae Evidence Modeling of protein sequence and biophysical properties (such as structural, functional, and spatial information, amino acid conservation, physicochemical variation, residue mobility, and thermodynamic stability) indicates that this missense variant is expected to disrupt MYH7 protein function with a positive predictive value of 95%. In summary, the available evidence is currently insufficient to determine the role of this variant in disease. Therefore, it has been classified as a Variant of Uncertain Significance.

NM_000257.4(MYH7):c.1547A>T (p.Asp516Val)

Gene: MYH7 (myosin heavy chain 7; minus strand). Cytogenetic location: 14q11.2.
Variant type: single nucleotide variant.
Coding change: c.1547A>T on transcript NM_000257.4 (MANE Select); coding-DNA position 1547, A replaced by T.
Protein change: p.Asp516Val; replaces aspartic acid 516 with valine.
Molecular consequence: missense variant.
Genome position (GRCh38, 1-based): chr14:23,428,531, T>A on the plus strand (A>T on the coding strand, the complement: MYH7 is on the minus strand). VCF-style: chr14-23428531-T-A. GRCh37 (hg19) VCF-style: chr14-23897740-T-A.
Other names: c.1547A>T, p.Asp516Val (NM_001407004.1); short protein forms D516V.
Identifiers: ClinVar variation 4801952 (VCV004801952.1).